The following is an entry in ClinVar:

ClinVar aggregate classification (germline): Uncertain significance (1 of 4 stars; one submission).

Allele frequency attached by ClinVar (database versions not stated): TOPMed below 0.00001.

Submission:

Labcorp Genetics (formerly Invitae), Labcorp
Classification: Uncertain significance. Last evaluated: 2025-01-20. Review status: criteria provided, single submitter. Criteria: Invitae Variant Classification Sherloc (09022015). Collection method: clinical testing. Allele origin: germline.
Comment: This sequence change replaces glutamic acid, which is acidic and polar, with lysine, which is basic and polar, at codon 352 of the SIX5 protein (p.Glu352Lys). This variant is not present in population databases (gnomAD no frequency). This variant has not been reported in the literature in individuals affected with SIX5-related conditions. ClinVar contains an entry for this variant (Variation ID: 2882079). Invitae Evidence Modeling of protein sequence and biophysical properties (such as structural, functional, and spatial information, amino acid conservation, physicochemical variation, residue mobility, and thermodynamic stability) indicates that this missense variant is not expected to disrupt SIX5 protein function with a negative predictive value of 80%. In summary, the available evidence is currently insufficient to determine the role of this variant in disease. Therefore, it has been classified as a Variant of Uncertain Significance.

NM_175875.5(SIX5):c.1054G>A (p.Glu352Lys)

Genes: SIX5 (SIX homeobox 5; minus strand), LOC107075317 (origin of replication in DMPK trinucleotide repeat region; plus strand). Cytogenetic location: 19q13.32.
Variant type: single nucleotide variant.
Coding change: c.1054G>A on transcript NM_175875.5 (MANE Select); coding-DNA position 1054, G replaced by A.
Protein change: p.Glu352Lys; replaces glutamic acid 352 with lysine.
Molecular consequence: missense variant.
Genome position (GRCh38, 1-based): chr19:45,766,905, C>T on the plus strand (G>A on the coding strand, the complement: SIX5 is on the minus strand). VCF-style: chr19-45766905-C-T. GRCh37 (hg19) VCF-style: chr19-46270163-C-T.
Other names: short protein forms E352K.
Identifiers: ClinVar variation 2882079 (VCV002882079.3), dbSNP rs887072966, ClinGen allele CA309000955.
Genomic context (GRCh38, chr19:45,766,905, plus strand): 5'-GCTGCGGTGGAGGGGCACCCCCGCCCCCAGTGAGCAGCAGCGGGCCCAGGCTGGAGGCCT[C>T]GCCCAGGGCCAGGCCGTTGATGATGACGGGGCCCCCGTTGAGGAGCACTGCTGGGGAGCC-3'
Protein context (NP_787071.3, residues 342-362): PVIINGLALG[Glu352Lys]ASSLGPLLLT